The following is an entry in ClinVar:

NM_020975.6(RET):c.618C>T (p.Leu206=)

Gene: RET (ret proto-oncogene; plus strand). Cytogenetic location: 10q11.21.
Variant type: single nucleotide variant.
Coding change: c.618C>T on transcript NM_020975.6 (MANE Select); coding-DNA position 618, C replaced by T.
Protein change: p.Leu206=; no amino-acid change (leucine 206 retained).
Molecular consequence: synonymous variant. On other transcripts: intron variant (15).
Genome position (GRCh38, 1-based): chr10:43,102,622, C>T. VCF-style: chr10-43102622-C-T. GRCh37 (hg19) VCF-style: chr10-43598070-C-T.
Other names: c.618C>T, p.Leu206= (NM_000323.2, NM_001406743.1, NM_001406744.1 and 16 more transcripts); c.489C>T, p.Leu163= (NM_001406761.1, NM_001406762.1, NM_001406764.1 and 4 more transcripts); c.337+1900C>T (NM_001406770.1, NM_001406766.1, NM_001406767.1 and 8 more transcripts); c.74-6409C>T (NM_001406784.1); c.74-9477C>T (NM_001406794.1, NM_001406792.1, NM_001406793.1).
Identifiers: ClinVar variation 1561480 (VCV001561480.12), dbSNP rs1377770977, ClinGen allele CA469020711.

ClinVar aggregate classification (germline): Likely benign. Review status: criteria provided, multiple submitters, no conflicts (2 of 4 stars). 4 submissions from 4 submitters: Likely benign (4). Last evaluated 2023-05-04.

Conditions:
Hereditary cancer-predisposing syndrome. Also called: Tumor predisposition; Hereditary Cancer Syndrome; Hereditary neoplastic syndrome; Neoplastic Syndromes, Hereditary. Identifiers: Orphanet 140162, MedGen C0027672, MeSH D009386, MONDO:0015356.
Multiple endocrine neoplasia, type 2 (MEN2). Identifiers: Orphanet 653, MedGen C4048306, MONDO:0019003. Disease mechanism: gain of function.

Allele frequency attached by ClinVar (database versions not stated): gnomAD 0.00001.

Submissions (4):

All of Us Research Program, National Institutes of Health
Classification: Likely benign for Multiple endocrine neoplasia, type 2. Last evaluated: 2023-05-04. Review status: criteria provided, single submitter. Criteria: ACMG Guidelines, 2015. Collection method: clinical testing. Allele origin: germline. Inheritance: Autosomal dominant inheritance. Observed: 1 variant allele, 1 heterozygote.
Comment: This study involves interpretation of variants in research participants for the purpose of population health screening. Participant phenotype was not available at the time of variant classification. Additional details can be found in publication PMID: 35346344, PMCID: PMC8962531

Color Diagnostics, LLC DBA Color Health
Classification: Likely benign for Multiple endocrine neoplasia, type 2. Last evaluated: 2022-11-06. Review status: criteria provided, single submitter. Criteria: ACMG Guidelines, 2015. Collection method: clinical testing. Allele origin: germline.

Labcorp Genetics (formerly Invitae), Labcorp
Classification: Likely benign for Multiple endocrine neoplasia, type 2. Last evaluated: 2021-02-19. Review status: criteria provided, single submitter. Criteria: Invitae Variant Classification Sherloc (09022015). Collection method: clinical testing. Allele origin: germline.

Ambry Genetics
Classification: Likely benign for Hereditary cancer-predisposing syndrome. Last evaluated: 2020-03-15. Review status: criteria provided, single submitter. Criteria: Ambry Variant Classification Scheme 2023. Collection method: clinical testing. Allele origin: germline.